The following is an entry in ClinVar:

ClinVar aggregate classification (germline): Benign (1 of 4 stars; one submission).

Allele frequency attached by ClinVar (database versions not stated): 1000 Genomes Project 0.46625; 1000 Genomes Project 30x 0.47283; gnomAD exomes 0.52362; TOPMed 0.52459; gnomAD 0.53542.

Submission:

Unidad de Genómica Garrahan, Hospital de Pediatría Garrahan
Classification: Benign. Last evaluated: 2024-01-24. Review status: criteria provided, single submitter. Criteria: ACMG Guidelines, 2015. Collection method: clinical testing. Allele origin: germline. Affected: no. Observed: 66 variant alleles.
Comment: This variant is classified as Benign based on local population frequency. This variant was detected in 69% of patients studied by a panel of primary immunodeficiencies. Number of patients: 66. Only high quality variants are reported.

NM_012481.5(IKZF3):c.62-60T>C

Gene: IKZF3 (IKAROS family zinc finger 3; minus strand). Cytogenetic location: 17q21.1.
Variant type: single nucleotide variant.
Coding change: c.62-60T>C on transcript NM_012481.5 (MANE Select); 60 bases into the intron before coding-DNA position 62, T replaced by C.
Molecular consequence: intron variant.
Genome position (GRCh38, 1-based): chr17:39,829,548, A>G on the plus strand (T>C on the coding strand, the complement: IKZF3 is on the minus strand). VCF-style: chr17-39829548-A-G. GRCh37 (hg19) VCF-style: chr17-37985801-A-G.
Other names: c.61+2550T>C (NM_001257409.2, NM_001257408.2); c.62-60T>C (NM_001257413.2, NM_001257412.2, NM_001257411.2 and 7 more transcripts); c.-638-60T>C (NM_001284515.2); c.-806-60T>C (NM_001284514.2).
Identifiers: ClinVar variation 2688020 (VCV002688020.2), dbSNP rs3816470, ClinGen allele CA14474948.